The following is an entry in ClinVar:

NM_015001.3(SPEN):c.4246C>T (p.Arg1416Cys)

Gene: SPEN (spen family transcriptional repressor; plus strand). Cytogenetic location: 1p36.13.
Variant type: single nucleotide variant.
Coding change: c.4246C>T on transcript NM_015001.3 (MANE Select); coding-DNA position 4246, C replaced by T.
Protein change: p.Arg1416Cys; replaces arginine 1416 with cysteine.
Molecular consequence: missense variant.
Genome position (GRCh38, 1-based): chr1:15,930,486, C>T. VCF-style: chr1-15930486-C-T. GRCh37 (hg19) VCF-style: chr1-16256981-C-T.
Other names: short protein forms R1416C.
Identifiers: ClinVar variation 3343958 (VCV003343958.2).

ClinVar aggregate classification (germline): Uncertain significance (1 of 4 stars; one submission).

gnomAD v4.1: 15 of 1,614,128 alleles (0.00093%); highest among the groups gnomAD compares: African/African-American, 0.0013%; no homozygotes.

Submission:

GeneDx
Classification: Uncertain significance. Last evaluated: 2025-06-21. Review status: criteria provided, single submitter. Criteria: GeneDx Variant Classification Process June 2021. Collection method: clinical testing. Allele origin: germline.
Comment: Identified in an individual with a neurodevelopmental disorder, but segregation and detailed clinical information was not provided (PMID: 33004838); In silico analysis supports that this missense variant has a deleterious effect on protein structure/function; This variant is associated with the following publications: (PMID: 33004838)